The following is an entry in ClinVar:

ClinVar aggregate classification (germline): Likely benign (1 of 4 stars; one submission).

Allele frequency attached by ClinVar (database versions not stated): ExAC 0.00002.
gnomAD v4.1: 43 of 1,613,982 alleles (0.0027%); highest among the groups gnomAD compares: Non-Finnish European, 0.0033%; no homozygotes.

Submission:

CeGaT Center for Human Genetics Tuebingen
Classification: Likely benign. Last evaluated: 2024-04-01. Review status: criteria provided, single submitter. Criteria: CeGaT Center For Human Genetics Tuebingen Variant Classification Criteria Version 2. Collection method: clinical testing. Allele origin: germline. Affected: yes. Observed: 1 variant allele.
Comment: BCR: BP4, BP7

NM_004327.4(BCR):c.2721G>A (p.Pro907=)

Genes: BCR (BCR activator of RhoGEF and GTPase; plus strand), LOC107963955 (BCR-ABL major-breakpoint cluster region; plus strand). Cytogenetic location: 22q11.23.
Variant type: single nucleotide variant.
Coding change: c.2721G>A on transcript NM_004327.4 (MANE Select); coding-DNA position 2721, G replaced by A.
Protein change: p.Pro907=; no amino-acid change (proline 907 retained).
Molecular consequence: synonymous variant.
Genome position (GRCh38, 1-based): chr22:23,290,352, G>A. VCF-style: chr22-23290352-G-A. GRCh37 (hg19) VCF-style: chr22-23632539-G-A.
Other names: c.2721G>A, p.Pro907= (NM_021574.3).
Identifiers: ClinVar variation 3234227 (VCV003234227.20), dbSNP rs747460956, ClinGen allele CA10142730.